The following is an entry in ClinVar:

NC_000016.10:g.(?_3810583)_(3879936_?)del

Gene: CREBBP (CREB binding lysine acetyltransferase; minus strand). Cytogenetic location: 16p13.3.
Variant type: Deletion.
Identifiers: ClinVar variation 832520 (VCV000832520.5).

ClinVar aggregate classification (germline): Pathogenic (1 of 4 stars; one submission).

Conditions:
Rubinstein-Taybi syndrome (RSTS). Identifiers: Orphanet 783, MedGen C0035934, MONDO:0019188.

Submission:

Labcorp Genetics (formerly Invitae), Labcorp
Classification: Pathogenic for Rubinstein-Taybi syndrome. Last evaluated: 2019-11-26. Review status: criteria provided, single submitter. Criteria: Invitae Variant Classification Sherloc (09022015). Collection method: clinical testing. Allele origin: germline.
Comment: For these reasons, this variant has been classified as Pathogenic. Loss-of-function variants in CREBBP are known to be pathogenic (PMID: 17052327, 18792986). This variant has not been reported in the literature in individuals with CREBBP-related conditions. This variant is a gross deletion of the genomic region encompassing exons 1-3 of the CREBBP gene, which includes the initiator codon. The 5' end of this event is unknown as it extends beyond the assayed region for this gene and therefore may encompass additional genes. The 3' boundary is likely confined to intron 3 of the CREBBP gene. This is expected to result in an absent or disrupted protein product.

Literature cited by the submitters: PubMed 17052327; PubMed 18792986.